The following is an entry in ClinVar:

ClinVar aggregate classification (germline): Pathogenic (1 of 4 stars; one submission).

Submission:

GeneDx
Classification: Pathogenic. Last evaluated: 2025-10-07. Review status: criteria provided, single submitter. Criteria: GeneDx Variant Classification Process June 2021. Collection method: clinical testing. Allele origin: germline. Affected: yes.
Comment: Frameshift variant predicted to result in protein truncation, as the last 1696 amino acids are replaced with 51 different amino acids, and other loss-of-function variants have been reported downstream in the Human Gene Mutation Database (HGMD); Not observed at significant frequency in large population cohorts (gnomAD); Has not been previously published as pathogenic or benign to our knowledge; This variant is associated with the following publications: (PMID: 16444271)

NM_002016.2(FLG):c.7098_7101del (p.Ser2366fs)

Genes: CCDST (cervical cancer associated DHX9 suppressive transcript; plus strand), FLG (filaggrin; minus strand). Cytogenetic location: 1q21.3.
Variant type: Deletion.
Coding change: c.7098_7101del on transcript NM_002016.2 (MANE Select); coding-DNA positions 7098 to 7101, 4 bases deleted (TCAG; older notation c.7098_7101delTCAG).
Protein change: p.Ser2366fs; shifts the reading frame from serine 2366.
Molecular consequence: frameshift variant.
Genome position (GRCh38, 1-based): chr1:152,307,785-152,307,788, CTGA deleted on the plus strand (TCAG on the coding strand, the reverse complement: FLG is on the minus strand); deleting any 4 consecutive bases within chr1:152,307,785-152,307,790 gives the same sequence; the c. name uses the placement nearest the transcript's 3' end. VCF-style (leftmost placement, unchanged base first): chr1-152307784-CCTGA-C. GRCh37 (hg19) VCF-style: chr1-152280260-CCTGA-C.
Other names: c.7098_7101delTCAG (NM_002016.1); short protein forms S2366fs.
Identifiers: ClinVar variation 503801 (VCV000503801.7), dbSNP rs755823797, ClinGen allele CA1104897.